The following is an entry in ClinVar:

ClinVar aggregate classification (germline): Likely pathogenic. Review status: criteria provided, multiple submitters, no conflicts (2 of 4 stars). 4 submissions from 4 submitters: Likely pathogenic (3). 1 of the submissions does not count toward it. Last evaluated 2025-02-17.

Conditions:
LRPPRC-related disorder. Also called: LRPPRC-related condition.
Congenital lactic acidosis, Saguenay-Lac-Saint-Jean type (MC4DN5). Also called: MITOCHONDRIAL COMPLEX IV DEFICIENCY, NUCLEAR TYPE 5; CYTOCHROME c OXIDASE DEFICIENCY, FRENCH CANADIAN TYPE; COX DEFICIENCY, FRENCH CANADIAN TYPE. Identifiers: Orphanet 70472, MedGen C1857355, MONDO:0009069, OMIM 220111.

Allele frequency attached by ClinVar (database versions not stated): gnomAD exomes below 0.00001.
gnomAD v4.1: 6 of 1,611,932 alleles (0.00037%); highest among the groups gnomAD compares: Admixed American, 0.0017%; no homozygotes.

Submissions (4):

Natera, Inc.
Classification: Likely pathogenic for French-Canadian type Leigh syndrome. Last evaluated: 2025-02-17. Review status: criteria provided, single submitter. Criteria: Natera Variant Classification Schema (03/2026). Collection method: clinical testing. Allele origin: germline.
Comment: The c.1678-1G>A variant in LRPPRC is a canonical splice acceptor site variant predicted to affect pre-mRNA splicing, which may result in an abnormal transcript and altered protein product. This variant is expected to result in nonsense mediated decay, truncation, or a dysfunctional protein product. This variant is rare in the general population with a frequency below the threshold expected for the associated phenotype(s). Given the available evidence, this variant is classified as Likely Pathogenic.

Labcorp Genetics (formerly Invitae), Labcorp
Classification: Likely pathogenic. Last evaluated: 2023-10-16. Review status: criteria provided, single submitter. Criteria: Invitae Variant Classification Sherloc (09022015). Collection method: clinical testing. Allele origin: germline.
Comment: This sequence change affects an acceptor splice site in intron 15 of the LRPPRC gene. It is expected to disrupt RNA splicing. Variants that disrupt the donor or acceptor splice site typically lead to a loss of protein function (PMID: 16199547), and loss-of-function variants in LRPPRC are known to be pathogenic (PMID: 26510951). This variant is present in population databases (no rsID available, gnomAD 0.003%). This variant has not been reported in the literature in individuals affected with LRPPRC-related conditions. ClinVar contains an entry for this variant (Variation ID: 1335926). Algorithms developed to predict the effect of sequence changes on RNA splicing suggest that this variant may disrupt the consensus splice site. In summary, the currently available evidence indicates that the variant is pathogenic, but additional data are needed to prove that conclusively. Therefore, this variant has been classified as Likely Pathogenic.

Genetic Services Laboratory, University of Chicago
Classification: Likely pathogenic. Last evaluated: 2018-08-14. Review status: criteria provided, single submitter. Criteria: ACMG Guidelines, 2015. Collection method: clinical testing. Allele origin: germline. Affected: yes.
Comment: DNA sequence analysis of the LRPPRC gene demonstrated a sequence change located near the canonical splice acceptor site in intron 15, c.1678-1G>A. This sequence change does not appear to have been previously described in patients with LRPPRC-related disorders and has been described in the gnomAD population database at a low population frequency of 0.004%. Based on in silico splice prediction programs, this sequence change likely affects normal splicing of the LRPPRC gene, which would result in an abnormal protein, however functional studies have not been performed to prove this conclusively. While this variant has not been reported in the literature, other truncating and splice site variants have been reported in this gene.

PreventionGenetics, part of Exact Sciences
Classification: Likely pathogenic for LRPPRC-related condition. Last evaluated: 2024-06-26. Review status: no assertion criteria provided. Collection method: clinical testing. Allele origin: germline. Not counted in ClinVar's aggregate classification.
Comment: The LRPPRC c.1678-1G>A variant is predicted to disrupt the AG splice acceptor site and interfere with normal splicing. To our knowledge, this variant has not been reported in the literature. This variant is reported in 0.0029% of alleles in individuals of Latino descent in gnomAD. Variants that disrupt the consensus splice acceptor site in LRPPRC are expected to be pathogenic. This variant is interpreted as likely pathogenic.

Literature cited by the submitters: PubMed 16199547 (cited by Labcorp Genetics (formerly Invitae), Labcorp); PubMed 26510951 (cited by Labcorp Genetics (formerly Invitae), Labcorp).

NM_133259.4(LRPPRC):c.1678-1G>A

Gene: LRPPRC (leucine rich pentatricopeptide repeat containing; minus strand). Cytogenetic location: 2p21.
Variant type: single nucleotide variant.
Coding change: c.1678-1G>A on transcript NM_133259.4 (MANE Select); the canonical splice acceptor site of the intron before coding-DNA position 1678, G replaced by A.
Molecular consequence: splice acceptor variant.
Genome position (GRCh38, 1-based): chr2:43,949,660, C>T on the plus strand (G>A on the coding strand, the complement: LRPPRC is on the minus strand). VCF-style: chr2-43949660-C-T. GRCh37 (hg19) VCF-style: chr2-44176799-C-T.
Identifiers: ClinVar variation 1335926 (VCV001335926.11), dbSNP rs1351402169, ClinGen allele CA346677684.
Genomic context (GRCh38, chr2:43,949,660, plus strand): 5'-ACCCGTCGGTCCTCGAGGCTCCTGGCAATAACGTCCATCCTTGTACAACAATTCTGTTAT[C>T]TGGTAAGACAGAAAATTCGTGCATTGCAGCAAGAGAAGCAAACAAGAACAAACACAATCT-3'